The following is an entry in ClinVar:

NM_006017.3(PROM1):c.1528A>T (p.Asn510Tyr)

Gene: PROM1 (prominin 1; minus strand). Cytogenetic location: 4p15.32.
Variant type: single nucleotide variant.
Coding change: c.1528A>T on transcript NM_006017.3 (MANE Select); coding-DNA position 1528, A replaced by T.
Protein change: p.Asn510Tyr; replaces asparagine 510 with tyrosine.
Molecular consequence: missense variant.
Genome position (GRCh38, 1-based): chr4:16,000,546, T>A on the plus strand (A>T on the coding strand, the complement: PROM1 is on the minus strand). VCF-style: chr4-16000546-T-A. GRCh37 (hg19) VCF-style: chr4-16002169-T-A.
Other names: c.1501A>T, p.Asn501Tyr (NM_001145847.2, NM_001145848.2, NM_001145851.2 and 4 more transcripts); c.1528A>T, p.Asn510Tyr (NM_001145849.2, NM_001145850.2); short protein forms N510Y, N501Y.
Identifiers: ClinVar variation 939111 (VCV000939111.13), dbSNP rs1723517670, ClinGen allele CA356433151.

ClinVar aggregate classification (germline): Conflicting classifications of pathogenicity. Review status: criteria provided, conflicting classifications (1 of 4 stars). 3 submissions from 3 submitters: Likely pathogenic (1); Uncertain significance (2). Last evaluated 2024-10-20.

Conditions:
PROM1-related disorder. Also called: PROM1-related disorders; PROM1-related condition.

gnomAD v4.1: 1 of 1,594,200 alleles (0.000063%); highest among the groups gnomAD compares: Non-Finnish European, 0.000086%; no homozygotes.

Submissions (3):

GeneDx
Classification: Uncertain significance. Last evaluated: 2024-10-20. Review status: criteria provided, single submitter. Criteria: GeneDx Variant Classification Process June 2021. Collection method: clinical testing. Allele origin: germline. Affected: yes.
Comment: Not observed at significant frequency in large population cohorts (gnomAD); In silico analysis supports that this missense variant has a deleterious effect on protein structure/function; Has not been previously published as pathogenic or benign to our knowledge

Labcorp Genetics (formerly Invitae), Labcorp
Classification: Uncertain significance. Last evaluated: 2023-06-21. Review status: criteria provided, single submitter. Criteria: Invitae Variant Classification Sherloc (09022015). Collection method: clinical testing. Allele origin: germline.
Comment: This variant has not been reported in the literature in individuals affected with PROM1-related conditions. Advanced modeling of protein sequence and biophysical properties (such as structural, functional, and spatial information, amino acid conservation, physicochemical variation, residue mobility, and thermodynamic stability) performed at Invitae indicates that this missense variant is expected to disrupt PROM1 protein function. This variant is not present in population databases (gnomAD no frequency). This sequence change replaces asparagine, which is neutral and polar, with tyrosine, which is neutral and polar, at codon 510 of the PROM1 protein (p.Asn510Tyr). In summary, the available evidence is currently insufficient to determine the role of this variant in disease. Therefore, it has been classified as a Variant of Uncertain Significance. ClinVar contains an entry for this variant (Variation ID: 939111).

Blueprint Genetics
Classification: Likely pathogenic for PROM1-related disorders. Last evaluated: 2019-10-14. Review status: criteria provided, single submitter. Criteria: ACMG Guidelines, 2015. Collection method: clinical testing. Allele origin: germline. Affected: yes. Observed: 1 variant allele.